The following is an entry in ClinVar:

ClinVar aggregate classification (germline): Likely benign. Review status: criteria provided, multiple submitters, no conflicts (2 of 4 stars). 2 submissions from 2 submitters: Likely benign (2). Last evaluated 2018-01-12.

Conditions:
Donnai-Barrow syndrome. Also called: DBS/FOAR SYNDROME; FACIOOCULOACOUSTICORENAL SYNDROME. Identifiers: Orphanet 2143, MedGen C1857277, MONDO:0009104, OMIM 222448.

Allele frequency attached by ClinVar (database versions not stated): gnomAD 0.00028 and 0.00041; TOPMed 0.00042; gnomAD exomes 0.00070; 1000 Genomes Project 0.00200; 1000 Genomes Project 30x 0.00203.
gnomAD v4.1: 147 of 268,956 alleles (0.055%); highest among the groups gnomAD compares: East Asian, 0.59%; no homozygotes.

Submissions (2):

Illumina Laboratory Services, Illumina
Classification: Likely benign for Donnai-Barrow syndrome. Last evaluated: 2018-01-12. Review status: criteria provided, single submitter. Criteria: ICSL Variant Classification Criteria 13 December 2019. Collection method: clinical testing. Allele origin: germline.
Comment: This variant was observed in the ICSL laboratory as part of a predisposition screen in an ostensibly healthy population. It had not been previously curated by ICSL or reported in the Human Gene Mutation Database (HGMD: prior to June 1st, 2018), and was therefore a candidate for classification through an automated scoring system. Utilizing variant allele frequency, disease prevalence and penetrance estimates, and inheritance mode, an automated score was calculated to assess if this variant is too frequent to cause the disease. Based on the score and internal cut-off values, a variant classified as likely benign is not then subjected to further curation. The score for this variant resulted in a classification of likely benign for this disease.

Breakthrough Genomics
Classification: Likely benign. Review status: criteria provided, single submitter. Criteria: ACMG Guidelines, 2015. Collection method: not provided. Allele origin: germline. Inheritance: Autosomal recessive inheritance. Affected: yes.

NM_004525.3(LRP2):c.*297A>G

Gene: LRP2 (LDL receptor related protein 2; minus strand). Cytogenetic location: 2q31.1.
Variant type: single nucleotide variant.
Coding change: c.*297A>G on transcript NM_004525.3 (MANE Select); 297 bases downstream of the stop codon, A replaced by G.
Molecular consequence: 3 prime UTR variant.
Genome position (GRCh38, 1-based): chr2:169,128,366, T>C on the plus strand (A>G on the coding strand, the complement: LRP2 is on the minus strand). VCF-style: chr2-169128366-T-C. GRCh37 (hg19) VCF-style: chr2-169984876-T-C.
Identifiers: ClinVar variation 332062 (VCV000332062.6), dbSNP rs192934188, ClinGen allele CA10611279.